The following is an entry in ClinVar:

ClinVar aggregate classification (germline): Likely benign (1 of 4 stars; one submission).

Allele frequency attached by ClinVar (database versions not stated): gnomAD exomes below 0.00001; TOPMed below 0.00001.
gnomAD v4.1: 1 of 1,612,968 alleles (0.000062%); highest among the groups gnomAD compares: Non-Finnish European, 0.000085%; no homozygotes.

Submission:

CeGaT Center for Human Genetics Tuebingen
Classification: Likely benign. Last evaluated: 2022-08-01. Review status: criteria provided, single submitter. Criteria: CeGaT Center For Human Genetics Tuebingen Variant Classification Criteria Version 2. Collection method: clinical testing. Allele origin: germline. Affected: yes. Observed: 1 variant allele.
Comment: CACNA1B: BP4, BP7

NM_000718.4(CACNA1B):c.966T>C (p.Asn322=)

Gene: CACNA1B (calcium voltage-gated channel subunit alpha1 B; plus strand). Cytogenetic location: 9q34.3.
Variant type: single nucleotide variant.
Coding change: c.966T>C on transcript NM_000718.4 (MANE Select); coding-DNA position 966, T replaced by C.
Protein change: p.Asn322=; no amino-acid change (asparagine 322 retained).
Molecular consequence: synonymous variant.
Genome position (GRCh38, 1-based): chr9:137,917,431, T>C. VCF-style: chr9-137917431-T-C. GRCh37 (hg19) VCF-style: chr9-140811883-T-C.
Other names: c.966T>C, p.Asn322= (NM_001243812.2).
Identifiers: ClinVar variation 2659849 (VCV002659849.24), dbSNP rs1462284819, ClinGen allele CA467888250.